The following is an entry in ClinVar:

ClinVar aggregate classification (germline): Uncertain significance. Review status: criteria provided, multiple submitters, no conflicts (2 of 4 stars). 5 submissions from 5 submitters: Uncertain significance (5). Last evaluated 2026-09-10.

Conditions:
TTN-related disorder. Also called: TTN-related condition; TTN-related disease; TTN-related disorders.
Primary dilated cardiomyopathy (DCM). Also called: Dilated Cardiomyopathy. Identifiers: Orphanet 217604, MedGen C0007193, MeSH D002311, MONDO:0005021, HP:0001644. Inheritance: Various modes of inheritance.

Allele frequency attached by ClinVar (database versions not stated): gnomAD 0.00001; TOPMed 0.00001; ExAC 0.00002; gnomAD exomes 0.00002.
gnomAD v4.1: 32 of 1,613,652 alleles (0.002%); highest among the groups gnomAD compares: South Asian, 0.0033%; no homozygotes.

Submissions (5):

PreventionGenetics, part of Exact Sciences
Classification: Uncertain significance for TTN-related condition. Last evaluated: 2026-09-10. Review status: criteria provided, single submitter. Criteria: ACMG Guidelines, 2015. Collection method: clinical testing. Allele origin: germline.
Comment: The TTN c.94748G>A variant is predicted to result in the amino acid substitution p.Arg31583His. This variant has been reported as a variant of uncertain significance in a cohort of individuals with dilated cardiomyopathy (Supplementary Table 2b, Al-Shafai et al. 2021. PubMed ID: 34137518). This variant is reported in 0.0056% of alleles in individuals of East Asian descent in gnomAD. At this time, the clinical significance of this variant is uncertain due to the absence of conclusive functional and genetic evidence.

Women's Health and Genetics/Laboratory Corporation of America, LabCorp
Classification: Uncertain significance. Last evaluated: 2025-09-29. Review status: criteria provided, single submitter. Criteria: LabCorp Variant Classification Summary - May 2015. Collection method: clinical testing. Allele origin: germline.
Comment: Variant summary: TTN c.87044G>A (p.Arg29015His) results in a non-conservative amino acid change in the encoded protein sequence. Algorithms developed to predict the effect of missense changes on protein structure and function are either unavailable or do not agree on the potential impact of this missense change. The variant allele was found at a frequency of 2e-05 in 248338 control chromosomes. The available data on variant occurrences in the general population are insufficient to allow any conclusion about variant significance. c.87044G>A has been observed in individual(s) affected with Dilated Cardiomyopathy (Al-Shafai_2021). These report(s) do not provide unequivocal conclusions about association of the variant with Dilated Cardiomyopathy. To our knowledge, no experimental evidence demonstrating an impact on protein function has been reported. The following publication have been ascertained in the context of this evaluation (PMID: 34137518). ClinVar contains an entry for this variant (Variation ID: 165716). Based on the evidence outlined above, the variant was classified as uncertain significance.

GeneDx
Classification: Uncertain significance. Last evaluated: 2014-06-09. Review status: criteria provided, single submitter. Criteria: GeneDx Variant Classification (06012015). Collection method: clinical testing. Allele origin: germline. Affected: yes.
Comment: Missense variants in the TTN gene are considered 'unclassified' if they are not previously reported in the literature and do not have >1% frequency in the population to be considered a polymorphism. Research indicates that truncating mutations in the TTN gene are expected to account for approximately 25% of familial and 18% of sporadic idiopathic DCM; however, truncating variants in the TTN gene have been reported in approximately 3% of reported control alleles. There has been little investigation into non-truncating variants. (Herman D et al. Truncations of titin causing dilated cardiomyopathy. N Eng J Med 366:619-628, 2012) The variant is found in CARDIOMYOPATHY panel(s).

Laboratory for Molecular Medicine, Mass General Brigham Personalized Medicine
Classification: Uncertain significance. Last evaluated: 2013-09-13. Review status: criteria provided, single submitter. Criteria: LMM Criteria. Collection method: clinical testing. Allele origin: germline. Observed: 1 variant allele.
Comment: The Arg29015His variant in TTN has not been reported in individuals with cardiom yopathy or in large population studies. Computational analyses (biochemical amin o acid properties, conservation, AlignGVGD, PolyPhen2, and SIFT) do not provide strong support for or against an impact to the protein. Additional information i s needed to fully assess the clinical significance of the Arg29015His variant.

Genetics and Genomics Program, Sidra Medicine
Classification: Uncertain significance for Primary dilated cardiomyopathy. Review status: criteria provided, single submitter. Criteria: ACMG Guidelines, 2015. Collection method: research. Allele origin: unknown. Affected: yes. Observed: 1 variant allele.

Literature cited by the submitters: PubMed 34137518 (cited by Women's Health and Genetics/Laboratory Corporation of America, LabCorp).

NM_001267550.2(TTN):c.94748G>A (p.Arg31583His)

Genes: TTN (titin; minus strand), TTN-AS1 (TTN antisense RNA 1; plus strand). Cytogenetic location: 2q31.2.
Variant type: single nucleotide variant.
Coding change: c.94748G>A on transcript NM_001267550.2 (MANE Select); coding-DNA position 94748, G replaced by A.
Protein change: p.Arg31583His; replaces arginine 31583 with histidine.
Molecular consequence: missense variant.
Genome position (GRCh38, 1-based): chr2:178,546,680, C>T on the plus strand (G>A on the coding strand, the complement: TTN is on the minus strand). VCF-style: chr2-178546680-C-T. GRCh37 (hg19) VCF-style: chr2-179411407-C-T.
Other names: p.R29942H:CGT>CAT; c.67553G>A, p.Arg22518His (NM_003319.4); c.67928G>A, p.Arg22643His (NM_133432.3); c.68129G>A, p.Arg22710His (NM_133437.4); c.89825G>A, p.Arg29942His (NM_001256850.1); c.87044G>A, p.Arg29015His (NM_133378.4); short protein forms R29015H, R31583H, R29942H, R22643H, R22518H, R22710H.
Identifiers: ClinVar variation 165716 (VCV000165716.10), dbSNP rs727503544, ClinGen allele CA178423.
Genomic context (GRCh38, chr2:178,546,680, plus strand): 5'-ACAGGGCCTGTAGATTCAGACCCTTTGCTAATTACGCCTGCTGCATTCTTGGCTAACACA[C>T]GGAACTCATAAGTGTCTCCTTCACTGAGAGCAGTCACGGTGAAGAAATTGTCAGATACAA-3'
Protein context (NP_001254479.2, residues 31573-31593): ALSEGDTYEF[Arg31583His]VLAKNAAGVI